The following is an entry in ClinVar:

NM_001370259.2(MEN1):c.1378delinsACATAGT (p.Arg460delinsThrTer)

Gene: MEN1 (menin 1; minus strand). Cytogenetic location: 11q13.1.
Variant type: Indel.
Coding change: c.1378delinsACATAGT on transcript NM_001370259.2 (MANE Select); coding-DNA position 1378, C replaced by ACATAGT.
Protein change: p.Arg460delinsThrTer.
Molecular consequence: nonsense.
Genome position (GRCh38, 1-based): chr11:64,804,789, G replaced by ACTATGT on the plus strand (C replaced by ACATAGT on the coding strand, the reverse complement: MEN1 is on the minus strand). VCF-style: chr11-64804789-G-ACTATGT. GRCh37 (hg19) VCF-style: chr11-64572261-G-ACTATGT.
Other names: c.1378delCinsACATAGT (NM_130799.2); c.1393delinsACATAGT, p.Arg465delinsThrTer (NM_000244.4, NM_130800.3, NM_130801.3 and 3 more transcripts); c.1504delinsACATAGT, p.Arg502delinsThrTer (NM_001370251.2); c.1378delinsACATAGT, p.Arg460delinsThrTer (NM_001370260.2, NM_001370261.2, NM_130799.3); c.1273delinsACATAGT, p.Arg425delinsThrTer (NM_001370262.2, NM_001370263.2).
Identifiers: ClinVar variation 424268 (VCV000424268.2), dbSNP rs1064796889, ClinGen allele CA16619358.

ClinVar aggregate classification (germline): Pathogenic (1 of 4 stars; one submission).

Submission:

GeneDx
Classification: Pathogenic. Last evaluated: 2017-03-10. Review status: criteria provided, single submitter. Criteria: GeneDx Variant Classification (06012015). Collection method: clinical testing. Allele origin: germline. Affected: yes.
Comment: The c.1378delCinsACATAGT variant in the MEN1 gene has not been published as a pathogenic variant, nor has it been reported as a benign variant to our knowledge. This variant causes a frameshift starting with codon Arginine 460, changes this amino acid to a Threonine residue and creates a premature Stop codon at position 2 of the new reading frame, denoted p.Arg460ThrfsX2. This variant is predicted to cause loss of normal protein function through protein truncation. Based on currently available evidence, we consider c.1378delCinsACATAGT to be pathogenic.